The following is an entry in ClinVar:

ClinVar aggregate classification (germline): Conflicting classifications of pathogenicity. Review status: criteria provided, conflicting classifications (1 of 4 stars). 4 submissions from 4 submitters: Uncertain significance (3); Likely benign (1). Last evaluated 2024-10-17.

Conditions:
Retinitis pigmentosa (RP). Identifiers: Orphanet 791, MedGen C0035334, MeSH D012174, MONDO:0019200, OMIM 268000. Inheritance: Autosomal dominant, autosomal recessive and X linked inheritance.
Inborn genetic diseases. Identifiers: MedGen C0950123, MeSH D030342.

Allele frequency attached by ClinVar (database versions not stated): ExAC 0.00001; gnomAD exomes 0.00001 and 0.00004; gnomAD 0.00002; TOPMed 0.00003; ESP Exome Variant Server 0.00009.
gnomAD v4.1: 50 of 1,210,100 alleles (0.0041%); highest among the groups gnomAD compares: Non-Finnish European, 0.0054%; no homozygotes.

Submissions (4):

Ambry Genetics
Classification: Uncertain significance for Inborn genetic diseases. Last evaluated: 2024-10-17. Review status: criteria provided, single submitter. Criteria: Ambry Variant Classification Scheme 2023. Collection method: clinical testing. Allele origin: germline.

Blueprint Genetics
Classification: Likely benign. Last evaluated: 2022-11-11. Review status: criteria provided, single submitter. Criteria: ACMG Guidelines, 2015. Collection method: clinical testing. Allele origin: germline.

Labcorp Genetics (formerly Invitae), Labcorp
Classification: Uncertain significance. Last evaluated: 2022-10-13. Review status: criteria provided, single submitter. Criteria: Invitae Variant Classification Sherloc (09022015). Collection method: clinical testing. Allele origin: germline.
Comment: This sequence change replaces asparagine, which is neutral and polar, with serine, which is neutral and polar, at codon 169 of the RP2 protein (p.Asn169Ser). This variant is present in population databases (rs138024658, gnomAD 0.001%). This variant has not been reported in the literature in individuals affected with RP2-related conditions. ClinVar contains an entry for this variant (Variation ID: 914702). Algorithms developed to predict the effect of missense changes on protein structure and function (SIFT, PolyPhen-2, Align-GVGD) all suggest that this variant is likely to be disruptive. In summary, the available evidence is currently insufficient to determine the role of this variant in disease. Therefore, it has been classified as a Variant of Uncertain Significance.

Illumina Laboratory Services, Illumina
Classification: Uncertain significance for Retinitis pigmentosa. Last evaluated: 2018-01-12. Review status: criteria provided, single submitter. Criteria: ICSL Variant Classification Criteria 13 December 2019. Collection method: clinical testing. Allele origin: germline.

NM_006915.3(RP2):c.506A>G (p.Asn169Ser)

Gene: RP2 (RP2 activator of ARL3 GTPase; plus strand). Cytogenetic location: Xp11.3.
Variant type: single nucleotide variant.
Coding change: c.506A>G on transcript NM_006915.3 (MANE Select); coding-DNA position 506, A replaced by G.
Protein change: p.Asn169Ser; replaces asparagine 169 with serine.
Molecular consequence: missense variant.
Genome position (GRCh38, 1-based): chrX:46,853,879, A>G. VCF-style: chrX-46853879-A-G. GRCh37 (hg19) VCF-style: chrX-46713314-A-G.
Other names: short protein forms N169S.
Identifiers: ClinVar variation 914702 (VCV000914702.11), dbSNP rs138024658, ClinGen allele CA10394215.